The following is an entry in ClinVar:

NM_018026.4(PACS1):c.1993+12A>T

Gene: PACS1 (phosphofurin acidic cluster sorting protein 1; plus strand). Cytogenetic location: 11q13.2.
Variant type: single nucleotide variant.
Coding change: c.1993+12A>T on transcript NM_018026.4 (MANE Select); 12 bases into the intron after coding-DNA position 1993, A replaced by T.
Molecular consequence: intron variant.
Genome position (GRCh38, 1-based): chr11:66,233,951, A>T. VCF-style: chr11-66233951-A-T. GRCh37 (hg19) VCF-style: chr11-66001422-A-T.
Identifiers: ClinVar variation 3339173 (VCV003339173.3).
Genomic context (GRCh38, chr11:66,233,951, plus strand): 5'-AAGACCTCCGACTGGCTTGGCTACATGCGCTTCCTCATCATCCCCCTCGGTAAAGACGGG[A>T]GGCACCAGGAGGGCGTCGGGCATGAGGGTTCCATAGACAGATGCCTCATCTGGAACAGGA-3'

ClinVar aggregate classification (germline): Likely benign. Review status: criteria provided, multiple submitters, no conflicts (2 of 4 stars). 2 submissions from 2 submitters: Likely benign (2). Last evaluated 2024-08-05.

Conditions:
Schuurs-Hoeijmakers syndrome. Also called: PACS1-Related Neurodevelopmental Disorder. Identifiers: Orphanet 329224, MedGen C3554343, MONDO:0014006, OMIM 615009.

Submissions (2):

Labcorp Genetics (formerly Invitae), Labcorp
Classification: Likely benign for Schuurs-Hoeijmakers syndrome. Last evaluated: 2024-08-05. Review status: criteria provided, single submitter. Criteria: Invitae Variant Classification Sherloc (09022015). Collection method: clinical testing. Allele origin: germline.

Women's Health and Genetics/Laboratory Corporation of America, LabCorp
Classification: Likely benign. Last evaluated: 2024-07-02. Review status: criteria provided, single submitter. Criteria: LabCorp Variant Classification Summary - May 2015. Collection method: clinical testing. Allele origin: germline.
Comment: Variant summary: PACS1 c.1993+12A>T alters a non-conserved nucleotide located at a position not widely known to affect splicing. Consensus agreement among computation tools predict no significant impact on normal splicing. However, these predictions have yet to be confirmed by functional studies. The variant was absent in 218446 control chromosomes. The available data on variant occurrences in the general population are insufficient to allow any conclusion about variant significance. To our knowledge, no occurrence of c.1993+12A>T in individuals affected with Schuurs-Hoeijmakers Syndrome and no experimental evidence demonstrating its impact on protein function have been reported. No submitters have cited clinical-significance assessments for this variant to ClinVar. Based on the evidence outlined above, the variant was classified as likely benign.